The following is an entry in ClinVar:

NM_001909.5(CTSD):c.228+18G>T

Genes: CTSD (cathepsin D; minus strand), PRADX (PRC2 and DDX5 associated lncRNA; plus strand). Cytogenetic location: 11p15.5.
Variant type: single nucleotide variant.
Coding change: c.228+18G>T on transcript NM_001909.5 (MANE Select); 18 bases into the intron after coding-DNA position 228, G replaced by T.
Molecular consequence: intron variant.
Genome position (GRCh38, 1-based): chr11:1,761,291, C>A on the plus strand (G>T on the coding strand, the complement: CTSD is on the minus strand). VCF-style: chr11-1761291-C-A. GRCh37 (hg19) VCF-style: chr11-1782521-C-A.
Identifiers: ClinVar variation 137049 (VCV000137049.10), dbSNP rs376354665, ClinGen allele CA290539.

ClinVar aggregate classification (germline): Benign/Likely benign. Review status: criteria provided, multiple submitters, no conflicts (2 of 4 stars). 3 submissions from 3 submitters: Benign (1); Likely benign (2). Last evaluated 2026-01-19.

Conditions:
Neuronal ceroid lipofuscinosis. Also called: Neuronal Ceroid Lipofuscinoses. Identifiers: Orphanet 216, Orphanet 79263, MedGen C0027877, MONDO:0016295. Disease mechanism: loss of function.

Allele frequency attached by ClinVar (database versions not stated): ESP Exome Variant Server 0.00008; gnomAD exomes 0.00014 and 0.00022; gnomAD 0.00019 and 0.00021; TOPMed 0.00019; ExAC 0.00022.
gnomAD v4.1: 230 of 1,613,346 alleles (0.014%); highest among the groups gnomAD compares: Non-Finnish European, 0.014%; no homozygotes.

Submissions (3):

Labcorp Genetics (formerly Invitae), Labcorp
Classification: Likely benign for Neuronal ceroid lipofuscinosis. Last evaluated: 2026-01-19. Review status: criteria provided, single submitter. Criteria: Invitae Variant Classification Sherloc (09022015). Collection method: clinical testing. Allele origin: germline.

Blueprint Genetics
Classification: Likely benign. Last evaluated: 2024-10-17. Review status: criteria provided, single submitter. Criteria: ACMG Guidelines, 2015. Collection method: clinical testing. Allele origin: germline.

GeneDx
Classification: Benign. Last evaluated: 2014-01-07. Review status: criteria provided, single submitter. Criteria: GeneDx Variant Classification (06012015). Collection method: clinical testing. Allele origin: germline. Affected: yes.
Comment: This variant is considered likely benign or benign based on one or more of the following criteria: it is a conservative change, it occurs at a poorly conserved position in the protein, it is predicted to be benign by multiple in silico algorithms, and/or has population frequency not consistent with disease.